The following is an entry in ClinVar:

NM_000263.4(NAGLU):c.619C>G (p.Leu207Val)

Gene: NAGLU (N-acetyl-alpha-glucosaminidase; plus strand). Cytogenetic location: 17q21.2.
Variant type: single nucleotide variant.
Coding change: c.619C>G on transcript NM_000263.4 (MANE Select); coding-DNA position 619, C replaced by G.
Protein change: p.Leu207Val; replaces leucine 207 with valine.
Molecular consequence: missense variant.
Genome position (GRCh38, 1-based): chr17:42,538,426, C>G. VCF-style: chr17-42538426-C-G. GRCh37 (hg19) VCF-style: chr17-40690444-C-G.
Other names: short protein forms L207V.
Identifiers: ClinVar variation 2055656 (VCV002055656.4), dbSNP rs1052395549, ClinGen allele CA399598569.

ClinVar aggregate classification (germline): Uncertain significance (1 of 4 stars; one submission).

Conditions:
Mucopolysaccharidosis, MPS-III-B (MPS3B). Also called: N-ACETYL-ALPHA-D-GLUCOSAMINIDASE DEFICIENCY; NAGLU DEFICIENCY; SANFILIPPO SYNDROME B; MPS III B; Mucopolysaccharidosis type IIIB (Sanfilippo B); MPS IIIB (Sanfilippo Syndrome Type B). Identifiers: Orphanet 79270, MedGen C0086648, MONDO:0009656, OMIM 252920.
Charcot-Marie-Tooth disease axonal type 2V. Also called: CHARCOT-MARIE-TOOTH NEUROPATHY, TYPE 2V; CHARCOT-MARIE-TOOTH DISEASE, AXONAL, AUTOSOMAL DOMINANT, TYPE 2V. Identifiers: Orphanet 447964, MedGen C5569050, MONDO:0014665, OMIM 616491.

Submission:

Labcorp Genetics (formerly Invitae), Labcorp
Classification: Uncertain significance for Charcot-Marie-Tooth disease axonal type 2V; Mucopolysaccharidosis, MPS-III-B. Last evaluated: 2022-02-12. Review status: criteria provided, single submitter. Criteria: Invitae Variant Classification Sherloc (09022015). Collection method: clinical testing. Allele origin: germline.
Comment: Algorithms developed to predict the effect of missense changes on protein structure and function are either unavailable or do not agree on the potential impact of this missense change (SIFT: "Deleterious"; PolyPhen-2: "Possibly Damaging"; Align-GVGD: "Class C0"). In summary, the available evidence is currently insufficient to determine the role of this variant in disease. Therefore, it has been classified as a Variant of Uncertain Significance. This variant has not been reported in the literature in individuals affected with NAGLU-related conditions. This sequence change replaces leucine, which is neutral and non-polar, with valine, which is neutral and non-polar, at codon 207 of the NAGLU protein (p.Leu207Val). This variant is not present in population databases (gnomAD no frequency).